The following is an entry in ClinVar:

ClinVar aggregate classification (germline): Pathogenic (1 of 4 stars; one submission).

Conditions:
Glycogen storage disease IXb (GSD9B). Also called: PHOSPHORYLASE KINASE DEFICIENCY OF LIVER AND MUSCLE, AUTOSOMAL RECESSIVE; GLYCOGENOSIS OF LIVER AND MUSCLE, AUTOSOMAL RECESSIVE; GSD IXb. Identifiers: Orphanet 79240, MedGen C0543514, MONDO:0009868, OMIM 261750.

Submission:

Labcorp Genetics (formerly Invitae), Labcorp
Classification: Pathogenic for Glycogen storage disease IXb. Last evaluated: 2023-03-10. Review status: criteria provided, single submitter. Criteria: Invitae Variant Classification Sherloc (09022015). Collection method: clinical testing. Allele origin: germline.
Comment: For these reasons, this variant has been classified as Pathogenic. This sequence change creates a premature translational stop signal (p.Ser684Glufs*3) in the PHKB gene. It is expected to result in an absent or disrupted protein product. Loss-of-function variants in PHKB are known to be pathogenic (PMID: 9215682, 9326319). This variant is present in population databases (rs766592623, gnomAD 0.007%). This variant has not been reported in the literature in individuals affected with PHKB-related conditions. ClinVar contains an entry for this variant (Variation ID: 1455940).

Literature cited by the submitters: PubMed 9215682; PubMed 9326319.

NM_000293.3(PHKB):c.2048dup (p.Ser684fs)

Gene: PHKB (phosphorylase kinase regulatory subunit beta; plus strand). Cytogenetic location: 16q12.1.
Variant type: Duplication.
Coding change: c.2048dup on transcript NM_000293.3 (MANE Select); coding-DNA position 2048, one base duplicated (A; older notation c.2048dupA).
Protein change: p.Ser684fs; shifts the reading frame from serine 684.
Molecular consequence: frameshift variant.
Genome position (GRCh38, 1-based): chr16:47,660,671, A duplicated; the last of 2 consecutive A bases (chr16:47,660,670-47,660,671); duplicating either gives the same sequence. VCF-style (leftmost placement, unchanged base first): chr16-47660669-T-TA. GRCh37 (hg19) VCF-style: chr16-47694580-T-TA.
Other names: c.2027dup, p.Ser677fs (NM_001031835.3); c.2048dup, p.Ser684fs (NM_001363837.1); short protein forms S677fs, S684fs.
Identifiers: ClinVar variation 1455940 (VCV001455940.6), dbSNP rs766592623, ClinGen allele CA8041061.